The following is an entry in ClinVar:

ClinVar aggregate classification (germline): Likely pathogenic (1 of 4 stars; one submission).

Submission:

CeGaT Center for Human Genetics Tuebingen
Classification: Likely pathogenic. Last evaluated: 2026-08-01. Review status: criteria provided, single submitter. Criteria: CeGaT Center For Human Genetics Tuebingen Variant Classification Criteria Version 2. Collection method: clinical testing. Allele origin: germline. Affected: yes. Observed: 2 variant alleles.
Comment: PNP: PM2, PM3, PP4:Moderate

NM_000270.4(PNP):c.578T>A (p.Val193Glu)

Gene: PNP (purine nucleoside phosphorylase; plus strand). Cytogenetic location: 14q11.2.
Variant type: single nucleotide variant.
Coding change: c.578T>A on transcript NM_000270.4 (MANE Select); coding-DNA position 578, T replaced by A.
Protein change: p.Val193Glu; replaces valine 193 with glutamic acid.
Molecular consequence: missense variant.
Genome position (GRCh38, 1-based): chr14:20,475,178, T>A. VCF-style: chr14-20475178-T-A. GRCh37 (hg19) VCF-style: chr14-20943337-T-A.
Other names: short protein forms V193E.
Identifiers: ClinVar variation 3772554 (VCV003772554.13).